The following is an entry in ClinVar:

ClinVar aggregate classification (germline): Conflicting classifications of pathogenicity. Review status: criteria provided, conflicting classifications (1 of 4 stars). 2 submissions from 2 submitters: Uncertain significance (1); Likely benign (1). Last evaluated 2025-02-08.

Conditions:
Inborn genetic diseases. Identifiers: MedGen C0950123, MeSH D030342.

Allele frequency attached by ClinVar (database versions not stated): ExAC 0.00001; gnomAD exomes 0.00001 and 0.00002.
gnomAD v4.1: 7 of 1,611,056 alleles (0.00043%); highest among the groups gnomAD compares: Admixed American, 0.0067%; no homozygotes.

Submissions (2):

Ambry Genetics
Classification: Likely benign for Inborn genetic diseases. Last evaluated: 2025-02-08. Review status: criteria provided, single submitter. Criteria: Ambry Variant Classification Scheme 2023. Collection method: clinical testing. Allele origin: germline.

Labcorp Genetics (formerly Invitae), Labcorp
Classification: Uncertain significance. Last evaluated: 2025-01-15. Review status: criteria provided, single submitter. Criteria: Invitae Variant Classification Sherloc (09022015). Collection method: clinical testing. Allele origin: germline.
Comment: This sequence change replaces valine, which is neutral and non-polar, with isoleucine, which is neutral and non-polar, at codon 59 of the STN1 protein (p.Val59Ile). This variant is present in population databases (rs758380334, gnomAD 0.01%). This variant has not been reported in the literature in individuals affected with STN1-related conditions. ClinVar contains an entry for this variant (Variation ID: 1483991). Invitae Evidence Modeling of protein sequence and biophysical properties (such as structural, functional, and spatial information, amino acid conservation, physicochemical variation, residue mobility, and thermodynamic stability) indicates that this missense variant is not expected to disrupt STN1 protein function with a negative predictive value of 80%. In summary, the available evidence is currently insufficient to determine the role of this variant in disease. Therefore, it has been classified as a Variant of Uncertain Significance.

NM_024928.5(STN1):c.175G>A (p.Val59Ile)

Gene: STN1 (STN1 subunit of CST complex; minus strand). Cytogenetic location: 10q24.33.
Variant type: single nucleotide variant.
Coding change: c.175G>A on transcript NM_024928.5 (MANE Select); coding-DNA position 175, G replaced by A.
Protein change: p.Val59Ile; replaces valine 59 with isoleucine.
Molecular consequence: missense variant.
Genome position (GRCh38, 1-based): chr10:103,910,581, C>T on the plus strand (G>A on the coding strand, the complement: STN1 is on the minus strand). VCF-style: chr10-103910581-C-T. GRCh37 (hg19) VCF-style: chr10-105670339-C-T.
Other names: c.175G>A (NM_024928.4); short protein forms V59I.
Identifiers: ClinVar variation 1483991 (VCV001483991.9), dbSNP rs758380334, ClinGen allele CA5676714.